The following is an entry in ClinVar:

NM_025099.6(CTC1):c.623G>A (p.Ser208Asn)

Gene: CTC1 (CST telomere replication complex component 1; minus strand). Cytogenetic location: 17p13.1.
Variant type: single nucleotide variant.
Coding change: c.623G>A on transcript NM_025099.6 (MANE Select); coding-DNA position 623, G replaced by A.
Protein change: p.Ser208Asn; replaces serine 208 with asparagine.
Molecular consequence: missense variant. On other transcripts: non-coding transcript variant (1).
Genome position (GRCh38, 1-based): chr17:8,238,055, C>T on the plus strand (G>A on the coding strand, the complement: CTC1 is on the minus strand). VCF-style: chr17-8238055-C-T. GRCh37 (hg19) VCF-style: chr17-8141373-C-T.
Other names: c.623G>A, p.Ser208Asn (NM_001411067.1); short protein forms S208N.
Identifiers: ClinVar variation 2918088 (VCV002918088.3), dbSNP rs1987897880, ClinGen allele CA397992311.

ClinVar aggregate classification (germline): Uncertain significance (1 of 4 stars; one submission).

Conditions:
Dyskeratosis congenita. Identifiers: Orphanet 1775, MedGen C0265965, MONDO:0015780.

Allele frequency attached by ClinVar (database versions not stated): gnomAD exomes below 0.00001; TOPMed below 0.00001.
gnomAD v4.1: 2 of 1,613,982 alleles (0.00012%); highest among the groups gnomAD compares: Non-Finnish European, 0.00017%; no homozygotes.

Submission:

Labcorp Genetics (formerly Invitae), Labcorp
Classification: Uncertain significance for Dyskeratosis congenita. Last evaluated: 2023-01-22. Review status: criteria provided, single submitter. Criteria: Invitae Variant Classification Sherloc (09022015). Collection method: clinical testing. Allele origin: germline.
Comment: In summary, the available evidence is currently insufficient to determine the role of this variant in disease. Therefore, it has been classified as a Variant of Uncertain Significance. Advanced modeling of protein sequence and biophysical properties (such as structural, functional, and spatial information, amino acid conservation, physicochemical variation, residue mobility, and thermodynamic stability) performed at Invitae indicates that this missense variant is not expected to disrupt CTC1 protein function. This variant has not been reported in the literature in individuals affected with CTC1-related conditions. This variant is not present in population databases (gnomAD no frequency). This sequence change replaces serine, which is neutral and polar, with asparagine, which is neutral and polar, at codon 208 of the CTC1 protein (p.Ser208Asn).